The following is an entry in ClinVar:

ClinVar aggregate classification (germline): Uncertain significance (0 of 4 stars; one submission).

Conditions:
NAA15-related disorder.

gnomAD v4.1: 1 of 1,609,786 alleles (0.000062%); highest among the groups gnomAD compares: Non-Finnish European, 0.000085%; no homozygotes.

Submission:

PreventionGenetics, part of Exact Sciences
Classification: Uncertain significance for NAA15-related condition. Last evaluated: 2024-07-09. Review status: no assertion criteria provided. Collection method: clinical testing. Allele origin: germline.
Comment: The NAA15 c.791T>C variant is predicted to result in the amino acid substitution p.Leu264Ser. To our knowledge, this variant has not been reported in the literature or in a large population database, indicating this variant is rare. At this time, the clinical significance of this variant is uncertain due to the absence of conclusive functional and genetic evidence.

NM_057175.5(NAA15):c.791T>C (p.Leu264Ser)

Gene: NAA15 (N-alpha-acetyltransferase 15, NatA auxiliary subunit; plus strand). Cytogenetic location: 4q31.1.
Variant type: single nucleotide variant.
Coding change: c.791T>C on transcript NM_057175.5 (MANE Select); coding-DNA position 791, T replaced by C.
Protein change: p.Leu264Ser; replaces leucine 264 with serine.
Molecular consequence: missense variant.
Genome position (GRCh38, 1-based): chr4:139,349,561, T>C. VCF-style: chr4-139349561-T-C. GRCh37 (hg19) VCF-style: chr4-140270715-T-C.
Other names: c.791T>C, p.Leu264Ser (NM_001410842.1); short protein forms L264S.
Identifiers: ClinVar variation 3346196 (VCV003346196.1).